The following is an entry in ClinVar:

ClinVar aggregate classification (germline): Benign/Likely benign. Review status: criteria provided, multiple submitters, no conflicts (2 of 4 stars). 5 submissions from 5 submitters: Benign (3); Likely benign (2). Last evaluated 2026-01-10.

Conditions:
Hereditary cancer-predisposing syndrome. Also called: Neoplastic Syndromes, Hereditary; Hereditary neoplastic syndrome; Tumor predisposition; Hereditary Cancer Syndrome. Identifiers: Orphanet 140162, MedGen C0027672, MeSH D009386, MONDO:0015356.
Tuberous sclerosis 2 (TSC2). Identifiers: Orphanet 805, MedGen C1860707, MONDO:0013199, OMIM 613254.

Allele frequency attached by ClinVar (database versions not stated): ExAC 0.00001; TOPMed 0.00002; gnomAD 0.00003; ESP Exome Variant Server 0.00015.
gnomAD v4.1: 9 of 1,612,214 alleles (0.00056%); highest among the groups gnomAD compares: African/African-American, 0.0013%; no homozygotes.

Submissions (5):

Labcorp Genetics (formerly Invitae), Labcorp
Classification: Benign for Tuberous sclerosis 2. Last evaluated: 2026-01-10. Review status: criteria provided, single submitter. Criteria: Invitae Variant Classification Sherloc (09022015). Collection method: clinical testing. Allele origin: germline.

Myriad Genetics, Inc.
Classification: Benign for Tuberous sclerosis 2. Last evaluated: 2025-05-20. Review status: criteria provided, single submitter. Criteria: Myriad Autosomal Dominant, Autosomal Recessive and X-Linked Classification Criteria (2023). Collection method: clinical testing. Allele origin: unknown.
Comment: This variant is considered benign. This variant is a silent/synonymous amino acid change and it is not expected to impact splicing.

Genome-Nilou Lab
Classification: Benign for Tuberous sclerosis 2. Last evaluated: 2021-11-07. Review status: criteria provided, single submitter. Criteria: ACMG Guidelines, 2015. Collection method: clinical testing. Allele origin: germline. Affected: no.

GeneDx
Classification: Likely benign. Last evaluated: 2019-10-23. Review status: criteria provided, single submitter. Criteria: GeneDx Variant Classification Process June 2021. Collection method: clinical testing. Allele origin: germline. Affected: yes.

Ambry Genetics
Classification: Likely benign for Hereditary cancer-predisposing syndrome. Last evaluated: 2019-03-15. Review status: criteria provided, single submitter. Criteria: Ambry Variant Classification Scheme 2023. Collection method: clinical testing. Allele origin: germline.

NM_000548.5(TSC2):c.2511C>G (p.Ala837=)

Gene: TSC2 (TSC complex subunit 2; plus strand). Cytogenetic location: 16p13.3.
Variant type: single nucleotide variant.
Coding change: c.2511C>G on transcript NM_000548.5 (MANE Select); coding-DNA position 2511, C replaced by G.
Protein change: p.Ala837=; no amino-acid change (alanine 837 retained).
Molecular consequence: synonymous variant.
Genome position (GRCh38, 1-based): chr16:2,074,355, C>G. VCF-style: chr16-2074355-C-G. GRCh37 (hg19) VCF-style: chr16-2124356-C-G.
Other names: c.2364C>G, p.Ala788= (NM_001318829.2); c.1911C>G, p.Ala637= (NM_001318831.2); c.2544C>G, p.Ala848= (NM_001318832.2); c.2511C>G, p.Ala837= (NM_001363528.2, NM_001370404.1, NM_001370405.1 and 3 more transcripts); c.2400C>G, p.Ala800= (NM_001318827.2).
Identifiers: ClinVar variation 386564 (VCV000386564.22), dbSNP rs145351030, ClinGen allele CA039297.